The following is an entry in ClinVar:

NM_004006.3(DMD):c.3141G>T (p.Met1047Ile)

Gene: DMD (dystrophin; minus strand). Cytogenetic location: Xp21.1.
Variant type: single nucleotide variant.
Coding change: c.3141G>T on transcript NM_004006.3 (MANE Select); coding-DNA position 3141, G replaced by T.
Protein change: p.Met1047Ile; replaces methionine 1047 with isoleucine.
Molecular consequence: missense variant.
Genome position (GRCh38, 1-based): chrX:32,468,519, C>A on the plus strand (G>T on the coding strand, the complement: DMD is on the minus strand). VCF-style: chrX-32468519-C-A. GRCh37 (hg19) VCF-style: chrX-32486636-C-A.
Other names: c.3117G>T, p.Met1039Ile (NM_000109.4); c.3129G>T, p.Met1043Ile (NM_004009.3); c.2772G>T, p.Met924Ile (NM_004010.3); short protein forms M1039I, M1047I, M924I, M1043I.
Identifiers: ClinVar variation 1364641 (VCV001364641.8), dbSNP rs2148458957, ClinGen allele CA412666776.

ClinVar aggregate classification (germline): Uncertain significance (1 of 4 stars; one submission).

Conditions:
Duchenne muscular dystrophy (DMD). Also called: MUSCULAR DYSTROPHY, PSEUDOHYPERTROPHIC PROGRESSIVE, DUCHENNE TYPE; Duchenne Muscular Dystrophy (DMD). Identifiers: Orphanet 98896, MedGen C0013264, MONDO:0010679, OMIM 310200.

Submission:

Labcorp Genetics (formerly Invitae), Labcorp
Classification: Uncertain significance for Duchenne muscular dystrophy. Last evaluated: 2021-06-29. Review status: criteria provided, single submitter. Criteria: Invitae Variant Classification Sherloc (09022015). Collection method: clinical testing. Allele origin: germline.
Comment: This variant has not been reported in the literature in individuals affected with DMD-related conditions. This variant is not present in population databases (ExAC no frequency). This sequence change replaces methionine with isoleucine at codon 1047 of the DMD protein (p.Met1047Ile). The methionine residue is moderately conserved and there is a small physicochemical difference between methionine and isoleucine. In summary, the available evidence is currently insufficient to determine the role of this variant in disease. Therefore, it has been classified as a Variant of Uncertain Significance. Algorithms developed to predict the effect of missense changes on protein structure and function output the following: SIFT: "Tolerated"; PolyPhen-2: "Benign"; Align-GVGD: "Class C0". The isoleucine amino acid residue is found in multiple mammalian species, which suggests that this missense change does not adversely affect protein function.